The following is an entry in ClinVar:

NM_016247.4(IMPG2):c.2268del (p.Asn755_Tyr756insTer)

Gene: IMPG2 (interphotoreceptor matrix proteoglycan 2; minus strand). Cytogenetic location: 3q12.3.
Variant type: Deletion.
Coding change: c.2268del on transcript NM_016247.4 (MANE Select); coding-DNA position 2268, one base deleted (T; older notation c.2268delT).
Protein change: p.Asn755_Tyr756insTer.
Molecular consequence: nonsense.
Genome position (GRCh38, 1-based): chr3:101,244,063, A deleted on the plus strand (T on the coding strand, the reverse complement: IMPG2 is on the minus strand). VCF-style (leftmost placement, unchanged base first): chr3-101244062-CA-C. GRCh37 (hg19) VCF-style: chr3-100962906-CA-C.
Identifiers: ClinVar variation 862262 (VCV000862262.10), dbSNP rs771980888, ClinGen allele CA2519006.
Genomic context (GRCh38, chr3:101,244,062, plus strand): 5'-ATATAGTCCACAAAGTTTGCATATCTGGCTTTACCATTGAAACCTCACTGTCAAACCATT[CA>C]TAGTTGGATGACTCAGTAATTTGTTCCATATCCTCCCTTAGGATGGCATCTGCCTGATCT-3'

ClinVar aggregate classification (germline): Pathogenic/Likely pathogenic. Review status: criteria provided, multiple submitters, no conflicts (2 of 4 stars). 2 submissions from 2 submitters: Pathogenic (1); Likely pathogenic (1). Last evaluated 2025-09-29.

Conditions:
IMPG2-related disorders.

Allele frequency attached by ClinVar (database versions not stated): gnomAD exomes 0.00001 and 0.00002; TOPMed 0.00001; ExAC 0.00002.

Submissions (2):

Labcorp Genetics (formerly Invitae), Labcorp
Classification: Pathogenic. Last evaluated: 2025-09-29. Review status: criteria provided, single submitter. Criteria: Invitae Variant Classification Sherloc (09022015). Collection method: clinical testing. Allele origin: germline.
Comment: This sequence change creates a premature translational stop signal (p.Tyr756*) in the IMPG2 gene. It is expected to result in an absent or disrupted protein product. Loss-of-function variants in IMPG2 are known to be pathogenic (PMID: 20673862). This variant is present in population databases (rs771980888, gnomAD 0.002%). This variant has not been reported in the literature in individuals affected with IMPG2-related conditions. ClinVar contains an entry for this variant (Variation ID: 862262). For these reasons, this variant has been classified as Pathogenic.

Blueprint Genetics
Classification: Likely pathogenic for IMPG2-related disorders. Last evaluated: 2024-11-06. Review status: criteria provided, single submitter. Criteria: ACMG Guidelines, 2015. Collection method: clinical testing. Allele origin: germline. Affected: yes. Observed: 4 variant alleles.

Literature cited by the submitters: PubMed 20673862 (cited by Labcorp Genetics (formerly Invitae), Labcorp).